The following is an entry in ClinVar:

NM_005121.3(MED13):c.1637_1639del (p.Glu546del)

Gene: MED13 (mediator complex subunit 13; minus strand). Cytogenetic location: 17q23.2.
Variant type: Deletion.
Coding change: c.1637_1639del on transcript NM_005121.3 (MANE Select); coding-DNA positions 1637 to 1639, 3 bases deleted (AAG; older notation c.1637_1639delAAG).
Protein change: p.Glu546del; deletes glutamic acid 546.
Molecular consequence: inframe deletion.
Genome position (GRCh38, 1-based): chr17:62,010,878-62,010,880, CTT deleted on the plus strand (AAG on the coding strand, the reverse complement: MED13 is on the minus strand); deleting any 3 consecutive bases within chr17:62,010,878-62,010,881 gives the same sequence; the c. name uses the placement nearest the transcript's 3' end. VCF-style (leftmost placement, unchanged base first): chr17-62010877-CCTT-C. GRCh37 (hg19) VCF-style: chr17-60088238-CCTT-C.
Other names: short protein forms E546del.
Identifiers: ClinVar variation 2661946 (VCV002661946.1), dbSNP rs1445888059, ClinGen allele CA627146879.

ClinVar aggregate classification (germline): Uncertain significance (1 of 4 stars; one submission).

Submission:

GeneDx
Classification: Uncertain significance. Last evaluated: 2023-05-04. Review status: criteria provided, single submitter. Criteria: GeneDx Variant Classification Process June 2021. Collection method: clinical testing. Allele origin: germline. Affected: yes.
Comment: In-frame deletion of one amino acid in a non-repeat region; Has not been previously published as pathogenic or benign to our knowledge